The following is an entry in ClinVar:

NM_005431.2(XRCC2):c.304del (p.Gln102fs)

Gene: XRCC2 (X-ray repair cross complementing 2; minus strand). Cytogenetic location: 7q36.1.
Variant type: Deletion.
Coding change: c.304del on transcript NM_005431.2 (MANE Select); coding-DNA position 304, one base deleted (C; older notation c.304delC).
Protein change: p.Gln102fs; shifts the reading frame from glutamine 102.
Molecular consequence: frameshift variant.
Genome position (GRCh38, 1-based): chr7:152,649,181, G deleted on the plus strand (C on the coding strand, the reverse complement: XRCC2 is on the minus strand); the first of 3 consecutive G bases (chr7:152,649,181-152,649,183); deleting any one gives the same sequence. VCF-style (leftmost placement, unchanged base first): chr7-152649180-TG-T. GRCh37 (hg19) VCF-style: chr7-152346265-TG-T.
Other names: short protein forms Q102fs.
Identifiers: ClinVar variation 2740121 (VCV002740121.3), dbSNP rs2485881649, ClinGen allele CA458895624.

ClinVar aggregate classification (germline): Uncertain significance (1 of 4 stars; one submission).

Submission:

Labcorp Genetics (formerly Invitae), Labcorp
Classification: Uncertain significance. Last evaluated: 2023-01-24. Review status: criteria provided, single submitter. Criteria: Invitae Variant Classification Sherloc (09022015). Collection method: clinical testing. Allele origin: germline.
Comment: In summary, the available evidence is currently insufficient to determine the role of this variant in disease. Therefore, it has been classified as a Variant of Uncertain Significance. This variant has not been reported in the literature in individuals affected with XRCC2-related conditions. This variant is not present in population databases (gnomAD no frequency). This sequence change creates a premature translational stop signal (p.Gln102Lysfs*6) in the XRCC2 gene. While this is not anticipated to result in nonsense mediated decay, it is expected to disrupt the last 179 amino acid(s) of the XRCC2 protein.